The following is an entry in ClinVar:

NM_000092.5(COL4A4):c.788del (p.Pro263fs)

Gene: COL4A4 (collagen type IV alpha 4 chain; minus strand). Cytogenetic location: 2q36.3.
Variant type: Deletion.
Coding change: c.788del on transcript NM_000092.5 (MANE Select); coding-DNA position 788, one base deleted (C; older notation c.788delC).
Protein change: p.Pro263fs; shifts the reading frame from proline 263.
Molecular consequence: frameshift variant.
Genome position (GRCh38, 1-based): chr2:227,104,000, G deleted on the plus strand (C on the coding strand, the reverse complement: COL4A4 is on the minus strand); the first of 2 consecutive G bases (chr2:227,104,000-227,104,001); deleting either gives the same sequence. VCF-style (leftmost placement, unchanged base first): chr2-227103999-AG-A. GRCh37 (hg19) VCF-style: chr2-227968715-AG-A.
Other names: short protein forms P263fs.
Identifiers: ClinVar variation 4291839 (VCV004291839.1).

ClinVar aggregate classification (germline): Likely pathogenic (1 of 4 stars; one submission).

Conditions:
Autosomal recessive Alport syndrome (ATS2). Also called: Alport syndrome type 2; ALPORT SYNDROME 2, AUTOSOMAL RECESSIVE; COL4A4 Alport Syndrome and Thin Basement Membrane Nephropathy; COL4A3-Related Nephropathy. Identifiers: Orphanet 63, Orphanet 88919, MedGen C4746745, MONDO:0008762, OMIM 203780.

Submission:

3billion
Classification: Likely pathogenic for Autosomal recessive Alport syndrome. Last evaluated: 2024-11-04. Review status: criteria provided, single submitter. Criteria: ACMG Guidelines, 2015. Collection method: clinical testing. Allele origin: germline. Affected: yes.
Comment: The variant is not observed in the gnomAD v4.1.0 dataset. Predicted Consequence/Location: Frameshift: predicted to result in a loss or disruption of normal protein function through nonsense-mediated decay (NMD) or protein truncation. Multiple pathogenic variants are reported downstream of the variant. Therefore, this variant is classified as Likely pathogenic according to the recommendation of ACMG/AMP guideline.